The following is an entry in ClinVar:

ClinVar aggregate classification (germline): Uncertain significance (1 of 4 stars; one submission).

Conditions:
Developmental and epileptic encephalopathy, 59. Also called: Early infantile epileptic encephalopathy 59. Identifiers: MedGen C4693550, MONDO:0033368, OMIM 617904.

Submission:

3billion
Classification: Uncertain significance for Developmental and epileptic encephalopathy, 59. Last evaluated: 2025-12-05. Review status: criteria provided, single submitter. Criteria: ACMG Guidelines, 2015. Collection method: clinical testing. Allele origin: germline. Affected: yes.
Comment: The variant is not observed in the gnomAD v4.1.0 dataset. Predicted Consequence/Location: Missense variant. Missense changes are a common disease-causing mechanism. In silico tool predictions suggest damaging effect of the variant on gene or gene product [REVEL: 0.93 (>=0.6, sensitivity 0.68 and specificity 0.92)]. Therefore, this variant is classified as VUS according to the recommendation of ACMG/AMP guideline.

NM_005458.8(GABBR2):c.1858C>T (p.Pro620Ser)

Gene: GABBR2 (gamma-aminobutyric acid type B receptor subunit 2; minus strand). Cytogenetic location: 9q22.33.
Variant type: single nucleotide variant.
Coding change: c.1858C>T on transcript NM_005458.8 (MANE Select); coding-DNA position 1858, C replaced by T.
Protein change: p.Pro620Ser; replaces proline 620 with serine.
Molecular consequence: missense variant.
Genome position (GRCh38, 1-based): chr9:98,362,750, G>A on the plus strand (C>T on the coding strand, the complement: GABBR2 is on the minus strand). VCF-style: chr9-98362750-G-A. GRCh37 (hg19) VCF-style: chr9-101125032-G-A.
Other names: short protein forms P620S.
Identifiers: ClinVar variation 4855749 (VCV004855749.1).